The following is an entry in ClinVar:

ClinVar aggregate classification (germline): Uncertain significance. Review status: criteria provided, multiple submitters, no conflicts (2 of 4 stars). 2 submissions from 2 submitters: Uncertain significance (2). Last evaluated 2023-10-05.

Conditions:
F13A1-related disorder. Also called: F13A1-related condition.
Inborn genetic diseases. Identifiers: MedGen C0950123, MeSH D030342.

Allele frequency attached by ClinVar (database versions not stated): gnomAD exomes 0.00007; gnomAD 0.00014; TOPMed 0.00014; ESP Exome Variant Server 0.00023.
gnomAD v4.1: 127 of 1,614,030 alleles (0.0079%); highest among the groups gnomAD compares: African/African-American, 0.025%; no homozygotes.

Submissions (2):

Ambry Genetics
Classification: Uncertain significance for Inborn genetic diseases. Last evaluated: 2023-10-05. Review status: criteria provided, single submitter. Criteria: Ambry Variant Classification Scheme 2023. Collection method: clinical testing. Allele origin: germline.

PreventionGenetics, part of Exact Sciences
Classification: Uncertain significance for F13A1-related condition. Last evaluated: 2023-06-02. Review status: criteria provided, single submitter. Criteria: ACMG Guidelines, 2015. Collection method: clinical testing. Allele origin: germline.
Comment: The F13A1 c.1726G>A variant is predicted to result in the amino acid substitution p.Val576Met. To our knowledge, this variant has not been reported in the literature. This variant is reported in 0.024% of alleles in individuals of African descent in gnomAD. At this time, the clinical significance of this variant is uncertain due to the absence of conclusive functional and genetic evidence.

NM_000129.4(F13A1):c.1726G>A (p.Val576Met)

Gene: F13A1 (coagulation factor XIII A chain; minus strand). Cytogenetic location: 6p25.1.
Variant type: single nucleotide variant.
Coding change: c.1726G>A on transcript NM_000129.4 (MANE Select); coding-DNA position 1726, G replaced by A.
Protein change: p.Val576Met; replaces valine 576 with methionine.
Molecular consequence: missense variant.
Genome position (GRCh38, 1-based): chr6:6,174,601, C>T on the plus strand (G>A on the coding strand, the complement: F13A1 is on the minus strand). VCF-style: chr6-6174601-C-T. GRCh37 (hg19) VCF-style: chr6-6174834-C-T.
Other names: short protein forms V576M.
Identifiers: ClinVar variation 2635966 (VCV002635966.2), dbSNP rs61734486, ClinGen allele CA3624269.